The following is an entry in ClinVar:

ClinVar aggregate classification (germline): Uncertain significance (1 of 4 stars; one submission).

Submission:

Labcorp Genetics (formerly Invitae), Labcorp
Classification: Uncertain significance. Last evaluated: 2024-12-20. Review status: criteria provided, single submitter. Criteria: Invitae Variant Classification Sherloc (09022015). Collection method: clinical testing. Allele origin: germline.
Comment: This sequence change replaces valine, which is neutral and non-polar, with glycine, which is neutral and non-polar, at codon 1249 of the KAT6A protein (p.Val1249Gly). This variant is not present in population databases (gnomAD no frequency). This variant has not been reported in the literature in individuals affected with KAT6A-related conditions. Invitae Evidence Modeling of protein sequence and biophysical properties (such as structural, functional, and spatial information, amino acid conservation, physicochemical variation, residue mobility, and thermodynamic stability) indicates that this missense variant is not expected to disrupt KAT6A protein function with a negative predictive value of 95%. In summary, the available evidence is currently insufficient to determine the role of this variant in disease. Therefore, it has been classified as a Variant of Uncertain Significance.

NM_006766.5(KAT6A):c.3746T>G (p.Val1249Gly)

Gene: KAT6A (lysine acetyltransferase 6A; minus strand). Cytogenetic location: 8p11.21.
Variant type: single nucleotide variant.
Coding change: c.3746T>G on transcript NM_006766.5 (MANE Select); coding-DNA position 3746, T replaced by G.
Protein change: p.Val1249Gly; replaces valine 1249 with glycine.
Molecular consequence: missense variant.
Genome position (GRCh38, 1-based): chr8:41,934,474, A>C on the plus strand (T>G on the coding strand, the complement: KAT6A is on the minus strand). VCF-style: chr8-41934474-A-C. GRCh37 (hg19) VCF-style: chr8-41791992-A-C.
Other names: short protein forms V1249G.
Identifiers: ClinVar variation 3720547 (VCV003720547.2).
Genomic context (GRCh38, chr8:41,934,474, plus strand): 5'-TCAGGCTCCTTGGTTTCGGTCTCAGGACTATTGCTGCTGTCTGCTGGAGAGGCTGCTGGG[A>C]CTTCACTGCTGGCTGCATCCTCTTCCTCACCCTCTTCAGCCTCTTCTGCCTCTGCTTGCA-3'
Protein context (NP_006757.2, residues 1239-1259): GEEEDAASSE[Val1249Gly]PAASPADSSN